The following is an entry in ClinVar:

NM_000384.3(APOB):c.12286A>C (p.Thr4096Pro)

Gene: APOB (apolipoprotein B; minus strand). Cytogenetic location: 2p24.1.
Variant type: single nucleotide variant.
Coding change: c.12286A>C on transcript NM_000384.3 (MANE Select); coding-DNA position 12286, A replaced by C.
Protein change: p.Thr4096Pro; replaces threonine 4096 with proline.
Molecular consequence: missense variant.
Genome position (GRCh38, 1-based): chr2:21,003,136, T>G on the plus strand (A>C on the coding strand, the complement: APOB is on the minus strand). VCF-style: chr2-21003136-T-G. GRCh37 (hg19) VCF-style: chr2-21226008-T-G.
Other names: short protein forms T4096P.
Identifiers: ClinVar variation 3885243 (VCV003885243.1).

ClinVar aggregate classification (germline): Uncertain significance (1 of 4 stars; one submission).

Conditions:
Cardiovascular phenotype. Identifiers: MedGen CN230736.

Submission:

Ambry Genetics
Classification: Uncertain significance for Cardiovascular phenotype. Last evaluated: 2025-02-06. Review status: criteria provided, single submitter. Criteria: Ambry Variant Classification Scheme 2023. Collection method: clinical testing. Allele origin: germline.
Comment: The p.T4096P variant (also known as c.12286A>C), located in coding exon 29 of the APOB gene, results from an A to C substitution at nucleotide position 12286. The threonine at codon 4096 is replaced by proline, an amino acid with highly similar properties. This amino acid position is conserved. In addition, this alteration is predicted to be tolerated by in silico analysis. Based on the available evidence, the clinical significance of this variant remains unclear.